The following is an entry in ClinVar:

NM_003000.3(SDHB):c.498del (p.Lys167fs)

Gene: SDHB (succinate dehydrogenase complex iron sulfur subunit B; minus strand). Cytogenetic location: 1p36.13.
Variant type: Deletion.
Coding change: c.498del on transcript NM_003000.3 (MANE Select); coding-DNA position 498, one base deleted (C; older notation c.498delC).
Protein change: p.Lys167fs; shifts the reading frame from lysine 167.
Molecular consequence: frameshift variant.
Genome position (GRCh38, 1-based): chr1:17,027,791, G deleted on the plus strand (C on the coding strand, the reverse complement: SDHB is on the minus strand). VCF-style (leftmost placement, unchanged base first): chr1-17027790-TG-T. GRCh37 (hg19) VCF-style: chr1-17354285-TG-T.
Other names: c.444del, p.Lys149fs (NM_001407361.1); short protein forms K167fs, K149fs.
Identifiers: ClinVar variation 4783855 (VCV004783855.1).

ClinVar aggregate classification (germline): Pathogenic (1 of 4 stars; one submission).

Conditions:
Pheochromocytoma. Also called: MAX-Related Hereditary Paraganglioma-Pheochromocytoma Syndrome. Identifiers: Orphanet 29072, MedGen C0031511, MONDO:0008233, OMIM 171300, HP:0002666.
Gastrointestinal stromal tumor. Also called: Gastrointestinal stroma tumor; Gastrointestinal stromal tumor, somatic. Identifiers: Orphanet 44890, MedGen C0238198, MeSH D046152, MONDO:0011719, OMIM 606764, HP:0100723.
Pheochromocytoma/paraganglioma syndrome 4. Also called: CAROTID BODY TUMORS AND MULTIPLE EXTRAADRENAL PHEOCHROMOCYTOMAS; PARAGANGLIOMA, FAMILIAL MALIGNANT; PARAGANGLIOMAS, HEREDITARY EXTRAADRENAL; PHEOCHROMOCYTOMA, FAMILIAL EXTRAADRENAL; Paragangliomas 4; SDHB-Related Hereditary Paraganglioma-Pheochromocytoma Syndrome (Paragangliomas 4). Identifiers: Orphanet 29072, MedGen C1861848, MONDO:0007273, OMIM 115310.

Submission:

Labcorp Genetics (formerly Invitae), Labcorp
Classification: Pathogenic for Gastrointestinal stromal tumor; Pheochromocytoma/paraganglioma syndrome 4; Pheochromocytoma. Last evaluated: 2025-04-16. Review status: criteria provided, single submitter. Criteria: Invitae Variant Classification Sherloc (09022015). Collection method: clinical testing. Allele origin: germline.
Comment: This sequence change creates a premature translational stop signal (p.Lys167Serfs*8) in the SDHB gene. It is expected to result in an absent or disrupted protein product. Loss-of-function variants in SDHB are known to be pathogenic (PMID: 19454582, 19802898). This variant is not present in population databases (gnomAD no frequency). This premature translational stop signal has been observed in individual(s) with paraganglioma (PMID: 36652439). For these reasons, this variant has been classified as Pathogenic.

Literature cited by the submitters: PubMed 19454582; PubMed 19802898; PubMed 36652439.